The following is an entry in ClinVar:

ClinVar aggregate classification (germline): Uncertain significance. Review status: criteria provided, multiple submitters, no conflicts (2 of 4 stars). 2 submissions from 2 submitters: Uncertain significance (2). Last evaluated 2022-08-15.

Conditions:
Congenital muscular dystrophy due to integrin alpha-7 deficiency. Also called: MYOPATHY, CONGENITAL, DUE TO INTEGRIN ALPHA-7 DEFICIENCY; Congenital muscular dystrophy with integrin alpha-7 deficiency; Muscular dystrophy, congenital, due to ITGA7 deficiency. Identifiers: Orphanet 34520, MedGen C2750786, MONDO:0013177, OMIM 613204.

Allele frequency attached by ClinVar (database versions not stated): gnomAD 0.00001 and 0.00002; ExAC 0.00002; gnomAD exomes 0.00002; TOPMed 0.00004.
gnomAD v4.1: 110 of 1,614,108 alleles (0.0068%); highest among the groups gnomAD compares: Non-Finnish European, 0.0092%; no homozygotes.

Submissions (2):

Labcorp Genetics (formerly Invitae), Labcorp
Classification: Uncertain significance for Congenital muscular dystrophy due to integrin alpha-7 deficiency. Last evaluated: 2022-08-15. Review status: criteria provided, single submitter. Criteria: Invitae Variant Classification Sherloc (09022015). Collection method: clinical testing. Allele origin: germline.
Comment: This sequence change replaces valine, which is neutral and non-polar, with leucine, which is neutral and non-polar, at codon 824 of the ITGA7 protein (p.Val824Leu). This variant is present in population databases (rs763739936, gnomAD 0.006%). This variant has not been reported in the literature in individuals affected with ITGA7-related conditions. ClinVar contains an entry for this variant (Variation ID: 537991). Algorithms developed to predict the effect of missense changes on protein structure and function are either unavailable or do not agree on the potential impact of this missense change (SIFT: "Tolerated"; PolyPhen-2: "Probably Damaging"; Align-GVGD: "Class C0"). In summary, the available evidence is currently insufficient to determine the role of this variant in disease. Therefore, it has been classified as a Variant of Uncertain Significance.

Revvity Omics, Revvity
Classification: Uncertain significance for Congenital muscular dystrophy due to integrin alpha-7 deficiency. Last evaluated: 2022-05-27. Review status: criteria provided, single submitter. Criteria: ACMG Guidelines, 2015. Collection method: clinical testing. Allele origin: germline.

NM_002206.3(ITGA7):c.2470G>T (p.Val824Leu)

Genes: ITGA7 (integrin subunit alpha 7; minus strand), LOC126861535 (CDK7 strongly-dependent group 2 enhancer GRCh37_chr12:56087579-56088778; plus strand). Cytogenetic location: 12q13.2.
Variant type: single nucleotide variant.
Coding change: c.2470G>T on transcript NM_002206.3 (MANE Select); coding-DNA position 2470, G replaced by T.
Protein change: p.Val824Leu; replaces valine 824 with leucine.
Molecular consequence: missense variant.
Genome position (GRCh38, 1-based): chr12:55,694,086, C>A on the plus strand (G>T on the coding strand, the complement: ITGA7 is on the minus strand). VCF-style: chr12-55694086-C-A. GRCh37 (hg19) VCF-style: chr12-56087870-C-A.
Other names: c.2482G>T, p.Val828Leu (NM_001144996.2); c.2191G>T, p.Val731Leu (NM_001144997.2); c.2143G>T, p.Val715Leu (NM_001367993.1); c.1126G>T, p.Val376Leu (NM_001367994.1); c.2452G>T, p.Val818Leu (NM_001374465.1); c.2602G>T, p.Val868Leu (NM_001410977.1); c.2464G>T, p.Val822Leu (NM_001414029.1); c.2395G>T, p.Val799Leu (NM_001414030.1); and 5 more; short protein forms V731L, V824L, V376L, V715L, V828L, V818L, V868L, V711L.
Identifiers: ClinVar variation 537991 (VCV000537991.8), dbSNP rs763739936, ClinGen allele CA6615584.